The following is an entry in ClinVar:

NM_006231.4(POLE):c.2740G>A (p.Ala914Thr)

Gene: POLE (DNA polymerase epsilon, catalytic subunit; minus strand). Cytogenetic location: 12q24.33.
Variant type: single nucleotide variant.
Coding change: c.2740G>A on transcript NM_006231.4 (MANE Select); coding-DNA position 2740, G replaced by A.
Protein change: p.Ala914Thr; replaces alanine 914 with threonine.
Molecular consequence: missense variant.
Genome position (GRCh38, 1-based): chr12:132,661,651, C>T on the plus strand (G>A on the coding strand, the complement: POLE is on the minus strand). VCF-style: chr12-132661651-C-T. GRCh37 (hg19) VCF-style: chr12-133238237-C-T.
Other names: short protein forms A914T.
Identifiers: ClinVar variation 1468403 (VCV001468403.10), dbSNP rs754311081, ClinGen allele CA6893455.

ClinVar aggregate classification (germline): Conflicting classifications of pathogenicity. Review status: criteria provided, conflicting classifications (1 of 4 stars). 2 submissions from 2 submitters: Uncertain significance (1); Likely benign (1). Last evaluated 2025-07-31.

Conditions:
Hereditary cancer-predisposing syndrome. Also called: Tumor predisposition; Hereditary Cancer Syndrome; Hereditary neoplastic syndrome; Neoplastic Syndromes, Hereditary. Identifiers: Orphanet 140162, MedGen C0027672, MeSH D009386, MONDO:0015356.

Allele frequency attached by ClinVar (database versions not stated): gnomAD exomes below 0.00001; ExAC 0.00001.
gnomAD v4.1: 1 of 1,614,118 alleles (0.000062%); highest among the groups gnomAD compares: South Asian, 0.0011%; no homozygotes.

Submissions (2):

Labcorp Genetics (formerly Invitae), Labcorp
Classification: Uncertain significance. Last evaluated: 2025-07-31. Review status: criteria provided, single submitter. Criteria: Invitae Variant Classification Sherloc (09022015). Collection method: clinical testing. Allele origin: germline.
Comment: This sequence change replaces alanine, which is neutral and non-polar, with threonine, which is neutral and polar, at codon 914 of the POLE protein (p.Ala914Thr). This variant is present in population databases (rs754311081, gnomAD 0.003%). This variant has not been reported in the literature in individuals affected with POLE-related conditions. ClinVar contains an entry for this variant (Variation ID: 1468403). Invitae Evidence Modeling of protein sequence and biophysical properties (such as structural, functional, and spatial information, amino acid conservation, physicochemical variation, residue mobility, and thermodynamic stability) indicates that this missense variant is not expected to disrupt POLE protein function with a negative predictive value of 80%. In summary, the available evidence is currently insufficient to determine the role of this variant in disease. Therefore, it has been classified as a Variant of Uncertain Significance.

Ambry Genetics
Classification: Likely benign for Hereditary cancer-predisposing syndrome. Last evaluated: 2022-05-02. Review status: criteria provided, single submitter. Criteria: Ambry Variant Classification Scheme 2023. Collection method: clinical testing. Allele origin: germline.